The following is an entry in ClinVar:

ClinVar aggregate classification (germline): Uncertain significance. Review status: criteria provided, multiple submitters, no conflicts (2 of 4 stars). 2 submissions from 2 submitters: Uncertain significance (2). Last evaluated 2024-06-17.

Conditions:
DICER1-related tumor predisposition. Also called: DICER1-related pleuropulmonary blastoma cancer predisposition syndrome; DICER1 syndrome. Identifiers: Orphanet 284343, MedGen C3839822, MONDO:0100216.
Hereditary cancer-predisposing syndrome. Also called: Hereditary neoplastic syndrome; Neoplastic Syndromes, Hereditary; Tumor predisposition; Hereditary Cancer Syndrome. Identifiers: Orphanet 140162, MedGen C0027672, MeSH D009386, MONDO:0015356.

Submissions (2):

Ambry Genetics
Classification: Uncertain significance for Hereditary cancer-predisposing syndrome. Last evaluated: 2024-06-17. Review status: criteria provided, single submitter. Criteria: Ambry Variant Classification Scheme 2023. Collection method: clinical testing. Allele origin: germline.
Comment: The p.M190K variant (also known as c.569T>A), located in coding exon 4 of the DICER1 gene, results from a T to A substitution at nucleotide position 569. The methionine at codon 190 is replaced by lysine, an amino acid with similar properties. This amino acid position is highly conserved in available vertebrate species. In addition, this alteration is predicted to be deleterious by in silico analysis. Since supporting evidence is limited at this time, the clinical significance of this alteration remains unclear.

Labcorp Genetics (formerly Invitae), Labcorp
Classification: Uncertain significance for DICER1-related tumor predisposition. Last evaluated: 2024-01-29. Review status: criteria provided, single submitter. Criteria: Invitae Variant Classification Sherloc (09022015). Collection method: clinical testing. Allele origin: germline.
Comment: This sequence change replaces methionine, which is neutral and non-polar, with lysine, which is basic and polar, at codon 190 of the DICER1 protein (p.Met190Lys). This variant is not present in population databases (gnomAD no frequency). This variant has not been reported in the literature in individuals affected with DICER1-related conditions. ClinVar contains an entry for this variant (Variation ID: 483439). Advanced modeling of protein sequence and biophysical properties (such as structural, functional, and spatial information, amino acid conservation, physicochemical variation, residue mobility, and thermodynamic stability) performed at Invitae indicates that this missense variant is expected to disrupt DICER1 protein function with a positive predictive value of 80%. In summary, the available evidence is currently insufficient to determine the role of this variant in disease. Therefore, it has been classified as a Variant of Uncertain Significance.

NM_177438.3(DICER1):c.569T>A (p.Met190Lys)

Gene: DICER1 (dicer 1, ribonuclease III; minus strand). Cytogenetic location: 14q32.13.
Variant type: single nucleotide variant.
Coding change: c.569T>A on transcript NM_177438.3 (MANE Select); coding-DNA position 569, T replaced by A.
Protein change: p.Met190Lys; replaces methionine 190 with lysine.
Molecular consequence: missense variant.
Genome position (GRCh38, 1-based): chr14:95,130,062, A>T on the plus strand (T>A on the coding strand, the complement: DICER1 is on the minus strand). VCF-style: chr14-95130062-A-T. GRCh37 (hg19) VCF-style: chr14-95596399-A-T.
Other names: c.569T>A, p.Met190Lys (NM_001195573.1, NM_001271282.3, NM_001291628.2 and 1 more transcripts); short protein forms M190K.
Identifiers: ClinVar variation 483439 (VCV000483439.9), dbSNP rs1555375918, ClinGen allele CA390888337.
Genomic context (GRCh38, chr14:95,130,062, plus strand): 5'-TCTGCATTTACTCAATAGTTTACCAAGAATTACTAAGACTTAGGTCTAAAACTTACCTTC[A>T]TAATTTCTCGATAGGGGTGGTCTAGGATTGCAAGATGACACTCATCAAACACCAAAAGGT-3'
Protein context (NP_803187.1, residues 180-200): AILDHPYREI[Met190Lys]KLCENCPSCP